The following is an entry in ClinVar:

ClinVar aggregate classification (germline): Uncertain significance (1 of 4 stars; one submission).

gnomAD v4.1: 15 of 1,210,242 alleles (0.0012%); highest among the groups gnomAD compares: East Asian, 0.015%; no homozygotes.

Submission:

Labcorp Genetics (formerly Invitae), Labcorp
Classification: Uncertain significance. Last evaluated: 2025-04-29. Review status: criteria provided, single submitter. Criteria: Invitae Variant Classification Sherloc (09022015). Collection method: clinical testing. Allele origin: germline.
Comment: This sequence change replaces valine, which is neutral and non-polar, with isoleucine, which is neutral and non-polar, at codon 249 of the EFNB1 protein (p.Val249Ile). This variant is present in population databases (rs369662868, gnomAD 0.004%). This variant has not been reported in the literature in individuals affected with EFNB1-related conditions. Invitae Evidence Modeling of protein sequence and biophysical properties (such as structural, functional, and spatial information, amino acid conservation, physicochemical variation, residue mobility, and thermodynamic stability) indicates that this missense variant is not expected to disrupt EFNB1 protein function with a negative predictive value of 80%. In summary, the available evidence is currently insufficient to determine the role of this variant in disease. Therefore, it has been classified as a Variant of Uncertain Significance.

NM_004429.5(EFNB1):c.745G>A (p.Val249Ile)

Gene: EFNB1 (ephrin B1; plus strand). Cytogenetic location: Xq13.1.
Variant type: single nucleotide variant.
Coding change: c.745G>A on transcript NM_004429.5 (MANE Select); coding-DNA position 745, G replaced by A.
Protein change: p.Val249Ile; replaces valine 249 with isoleucine.
Molecular consequence: missense variant.
Genome position (GRCh38, 1-based): chrX:68,840,358, G>A. VCF-style: chrX-68840358-G-A. GRCh37 (hg19) VCF-style: chrX-68060201-G-A.
Other names: short protein forms V249I.
Identifiers: ClinVar variation 4753408 (VCV004753408.1).